The following is an entry in ClinVar:

ClinVar aggregate classification (germline): Uncertain significance (1 of 4 stars; one submission).

Conditions:
Hereditary hemorrhagic telangiectasia (HHT). Also called: ORW DISEASE; Osler Weber Rendu syndrome; OSLER-RENDU-WEBER DISEASE; Osler hemorrhagic telangiectasia syndrome. Identifiers: Orphanet 774, MedGen C0039445, MONDO:0019180. Disease mechanism: loss of function.

Submission:

Labcorp Genetics (formerly Invitae), Labcorp
Classification: Uncertain significance for Hereditary hemorrhagic telangiectasia. Last evaluated: 2024-04-15. Review status: criteria provided, single submitter. Criteria: Invitae Variant Classification Sherloc (09022015). Collection method: clinical testing. Allele origin: germline.
Comment: This sequence change replaces serine, which is neutral and polar, with arginine, which is basic and polar, at codon 576 of the ENG protein (p.Ser576Arg). This variant is not present in population databases (gnomAD no frequency). This variant has not been reported in the literature in individuals affected with ENG-related conditions. ClinVar contains an entry for this variant (Variation ID: 1505328). Advanced modeling of protein sequence and biophysical properties (such as structural, functional, and spatial information, amino acid conservation, physicochemical variation, residue mobility, and thermodynamic stability) has been performed at Invitae for this missense variant, however the output from this modeling did not meet the statistical confidence thresholds required to predict the impact of this variant on ENG protein function. In summary, the available evidence is currently insufficient to determine the role of this variant in disease. Therefore, it has been classified as a Variant of Uncertain Significance.

NM_001114753.3(ENG):c.1728C>A (p.Ser576Arg)

Genes: ENG (endoglin; minus strand), LOC102723566 (uncharacterized LOC102723566; plus strand). Cytogenetic location: 9q34.11.
Variant type: single nucleotide variant.
Coding change: c.1728C>A on transcript NM_001114753.3 (MANE Select); coding-DNA position 1728, C replaced by A.
Protein change: p.Ser576Arg; replaces serine 576 with arginine.
Molecular consequence: missense variant. On other transcripts: non-coding transcript variant (1).
Genome position (GRCh38, 1-based): chr9:127,817,162, G>T on the plus strand (C>A on the coding strand, the complement: ENG is on the minus strand). VCF-style: chr9-127817162-G-T. GRCh37 (hg19) VCF-style: chr9-130579441-G-T.
Other names: c.1728C>A, p.Ser576Arg (NM_000118.4); c.1182C>A, p.Ser394Arg (NM_001278138.2); short protein forms S576R, S394R.
Identifiers: ClinVar variation 1505328 (VCV001505328.9), dbSNP rs2131873779, ClinGen allele CA374973467.